The following is an entry in ClinVar:

NM_001353921.2(ARHGEF9):c.740del (p.Leu246_Leu247insTer)

Gene: ARHGEF9 (Cdc42 guanine nucleotide exchange factor 9; minus strand). Cytogenetic location: Xq11.1.
Variant type: Deletion.
Coding change: c.740del on transcript NM_001353921.2 (MANE Select); coding-DNA position 740, one base deleted (T; older notation c.740delT).
Protein change: p.Leu246_Leu247insTer.
Molecular consequence: nonsense.
Genome position (GRCh38, 1-based): chrX:63,678,415, A deleted on the plus strand (T on the coding strand, the reverse complement: ARHGEF9 is on the minus strand); the first of 4 consecutive A bases (chrX:63,678,415-63,678,418); deleting any one gives the same sequence. VCF-style (leftmost placement, unchanged base first): chrX-63678414-CA-C. GRCh37 (hg19) VCF-style: chrX-62898294-CA-C.
Other names: c.560del, p.Leu186_Leu187insTer (NM_001173479.2); c.413del, p.Leu137_Leu138insTer (NM_001173480.2, NM_001369042.1); c.656del, p.Leu218_Leu219insTer (NM_001330495.2, NM_001353927.2, NM_001369033.1 and 8 more transcripts); c.740del, p.Leu246_Leu247insTer (NM_001353922.2); c.758del, p.Leu252_Leu253insTer (NM_001353923.1); c.539del, p.Leu179_Leu180insTer (NM_001353924.2, NM_001353926.2, NM_001369039.1 and 1 more transcripts); c.719del, p.Leu239_Leu240insTer (NM_001353928.2, NM_001369030.1, NM_001369031.1 and 2 more transcripts); c.305del, p.Leu101_Leu102insTer (NM_001369045.1).
Identifiers: ClinVar variation 976407 (VCV000976407.1), dbSNP rs2050407403, ClinGen allele CA1139667598.
Genomic context (GRCh38, chrX:63,678,414, plus strand): 5'-AGTATACTTTAGGAGCTCAGCCAACTGTAAGGGATACTTGCAGATCTTCTGCACTGGAGT[CA>C]AAAGGAAACCATCGATAGCAATGTCAATCATCTGCTGCAAGAGGCGACAGGCCTCAAAGA-3'

ClinVar aggregate classification (germline): Uncertain significance (1 of 4 stars; one submission).

Conditions:
Developmental and epileptic encephalopathy, 8 (DEE8). Also called: HYPEREKPLEXIA AND EPILEPSY. Identifiers: Orphanet 163985, Orphanet 2076, MedGen C1845102, MONDO:0010375, OMIM 300607.

Submission:

Institute of Human Genetics, University of Leipzig Medical Center
Classification: Uncertain significance for Developmental and epileptic encephalopathy, 8. Last evaluated: 2017-03-13. Review status: criteria provided, single submitter. Criteria: ACMG Guidelines, 2015. Collection method: clinical testing. Allele origin: de novo. Affected: yes. Observed: 1 variant allele.
Comment: This variant was identified as de novo (maternity and paternity confirmed).